The following is an entry in ClinVar:

ClinVar aggregate classification (germline): Uncertain significance. Review status: criteria provided, multiple submitters, no conflicts (2 of 4 stars). 2 submissions from 2 submitters: Uncertain significance (2). Last evaluated 2026-01-12.

Allele frequency attached by ClinVar (database versions not stated): TOPMed 0.00001; gnomAD exomes 0.00001; gnomAD 0.00001.
gnomAD v4.1: 15 of 1,589,794 alleles (0.00094%); highest among the groups gnomAD compares: East Asian, 0.009%; no homozygotes.

Submissions (2):

Labcorp Genetics (formerly Invitae), Labcorp
Classification: Uncertain significance. Last evaluated: 2026-01-12. Review status: criteria provided, single submitter. Criteria: Invitae Variant Classification Sherloc (09022015). Collection method: clinical testing. Allele origin: germline.
Comment: This sequence change replaces glycine, which is neutral and non-polar, with arginine, which is basic and polar, at codon 216 of the SRP72 protein (p.Gly216Arg). This variant is present in population databases (no rsID available, gnomAD 0.003%). This variant has not been reported in the literature in individuals affected with SRP72-related conditions. ClinVar contains an entry for this variant (Variation ID: 2662371). Invitae Evidence Modeling of protein sequence and biophysical properties (such as structural, functional, and spatial information, amino acid conservation, physicochemical variation, residue mobility, and thermodynamic stability) indicates that this missense variant is not expected to disrupt SRP72 protein function with a negative predictive value of 80%. Algorithms developed to predict the effect of sequence changes on RNA splicing suggest that this variant may create or strengthen a splice site. In summary, the available evidence is currently insufficient to determine the role of this variant in disease. Therefore, it has been classified as a Variant of Uncertain Significance.

GeneDx
Classification: Uncertain significance. Last evaluated: 2023-05-04. Review status: criteria provided, single submitter. Criteria: GeneDx Variant Classification Process June 2021. Collection method: clinical testing. Allele origin: germline. Affected: yes.
Comment: Not observed at significant frequency in large population cohorts (gnomAD); In silico analysis supports a deleterious effect on splicing; In silico analysis supports that this missense variant does not alter protein structure/function; Has not been previously published as pathogenic or benign to our knowledge

NM_006947.4(SRP72):c.646G>A (p.Gly216Arg)

Gene: SRP72 (signal recognition particle 72; plus strand). Cytogenetic location: 4q12.
Variant type: single nucleotide variant.
Coding change: c.646G>A on transcript NM_006947.4 (MANE Select); coding-DNA position 646, G replaced by A.
Protein change: p.Gly216Arg; replaces glycine 216 with arginine.
Molecular consequence: missense variant. On other transcripts: non-coding transcript variant (1), intron variant (1).
Genome position (GRCh38, 1-based): chr4:56,478,382, G>A. VCF-style: chr4-56478382-G-A. GRCh37 (hg19) VCF-style: chr4-57344548-G-A.
Other names: c.642+1680G>A (NM_001267722.2); short protein forms G216R.
Identifiers: ClinVar variation 2662371 (VCV002662371.4), dbSNP rs1234409512, ClinGen allele CA356997749.